The following is an entry in ClinVar:

NM_000535.7(PMS2):c.1457A>G (p.Asp486Gly)

Gene: PMS2 (PMS1 homolog 2, mismatch repair system component; minus strand). Cytogenetic location: 7p22.1.
Variant type: single nucleotide variant.
Coding change: c.1457A>G on transcript NM_000535.7 (MANE Select); coding-DNA position 1457, A replaced by G.
Protein change: p.Asp486Gly; replaces aspartic acid 486 with glycine.
Molecular consequence: missense variant. On other transcripts: non-coding transcript variant (1).
Genome position (GRCh38, 1-based): chr7:5,987,308, T>C on the plus strand (A>G on the coding strand, the complement: PMS2 is on the minus strand). VCF-style: chr7-5987308-T-C. GRCh37 (hg19) VCF-style: chr7-6026939-T-C.
Other names: c.1052A>G, p.Asp351Gly (NM_001322003.2, NM_001322004.2, NM_001322005.2 and 1 more transcripts); c.1301A>G, p.Asp434Gly (NM_001322006.2); c.1139A>G, p.Asp380Gly (NM_001322007.2, NM_001322008.2); c.896A>G, p.Asp299Gly (NM_001322010.2); c.524A>G, p.Asp175Gly (NM_001322011.2, NM_001322012.2); c.884A>G, p.Asp295Gly (NM_001322013.2); c.1457A>G, p.Asp486Gly (NM_001322014.2); c.1148A>G, p.Asp383Gly (NM_001322015.2); and 1 more; short protein forms D486G, D295G, D351G, D380G, D175G, D299G, D383G, D434G.
Identifiers: ClinVar variation 421133 (VCV000421133.18), dbSNP rs899935666, ClinGen allele CA16618510.

ClinVar aggregate classification (germline): Conflicting classifications of pathogenicity. Review status: criteria provided, conflicting classifications (1 of 4 stars). 5 submissions from 5 submitters: Uncertain significance (4); Likely benign (1). Last evaluated 2026-01-02.

Conditions:
Hereditary nonpolyposis colorectal neoplasms. Identifiers: MedGen C0009405, MeSH D003123.
Hereditary cancer-predisposing syndrome. Also called: Hereditary neoplastic syndrome; Tumor predisposition; Neoplastic Syndromes, Hereditary; Hereditary Cancer Syndrome. Identifiers: Orphanet 140162, MedGen C0027672, MeSH D009386, MONDO:0015356.

Allele frequency attached by ClinVar (database versions not stated): gnomAD exomes below 0.00001; TOPMed below 0.00001.
gnomAD v4.1: 1 of 1,614,166 alleles (0.000062%); highest among the groups gnomAD compares: East Asian, 0.0022%; no homozygotes.

Submissions (5):

Labcorp Genetics (formerly Invitae), Labcorp
Classification: Uncertain significance for Hereditary nonpolyposis colorectal neoplasms. Last evaluated: 2026-01-02. Review status: criteria provided, single submitter. Criteria: Invitae Variant Classification Sherloc (09022015). Collection method: clinical testing. Allele origin: germline.
Comment: This sequence change replaces aspartic acid, which is acidic and polar, with glycine, which is neutral and non-polar, at codon 486 of the PMS2 protein (p.Asp486Gly). This variant is not present in population databases (gnomAD no frequency). This variant has not been reported in the literature in individuals affected with PMS2-related conditions. ClinVar contains an entry for this variant (Variation ID: 421133). Invitae Evidence Modeling incorporating data from in vitro experimental studies (internal data) indicates that this missense variant is not expected to disrupt PMS2 function with a negative predictive value of 95%. In summary, the available evidence is currently insufficient to determine the role of this variant in disease. Therefore, it has been classified as a Variant of Uncertain Significance.

Quest Diagnostics Nichols Institute San Juan Capistrano
Classification: Uncertain significance. Last evaluated: 2024-07-03. Review status: criteria provided, single submitter. Criteria: Quest Diagnostics criteria. Collection method: clinical testing. Allele origin: unknown.
Comment: The PMS2 c.1457A>G (p.Asp486Gly) variant has not been reported in individuals with PMS2-related conditions in the published literature. It also has not been reported in large, multi-ethnic general populations (Genome Aggregation Database). Analysis of this variant using bioinformatics tools for the prediction of the effect of amino acid changes on protein structure and function yielded predictions that this variant is benign. Based on the available information, we are unable to determine the clinical significance of this variant.

Color Diagnostics, LLC DBA Color Health
Classification: Uncertain significance for Hereditary cancer-predisposing syndrome. Last evaluated: 2024-03-06. Review status: criteria provided, single submitter. Criteria: ACMG Guidelines, 2015. Collection method: clinical testing. Allele origin: germline.
Comment: This missense variant replaces aspartic acid with glycine at codon 486 of the PMS2 protein. Computational prediction suggests that this variant may not impact protein structure and function (internally defined REVEL score threshold <= 0.5, PMID: 27666373). To our knowledge, functional studies have not been reported for this variant. This variant has not been reported in individuals affected with PMS2-related disorders in the literature. This variant has not been identified in the general population by the Genome Aggregation Database (gnomAD). The available evidence is insufficient to determine the role of this variant in disease conclusively. Therefore, this variant is classified as a Variant of Uncertain Significance.

Ambry Genetics
Classification: Likely benign for Hereditary cancer-predisposing syndrome. Last evaluated: 2022-09-06. Review status: criteria provided, single submitter. Criteria: Ambry Variant Classification Scheme 2023. Collection method: clinical testing. Allele origin: germline.

GeneDx
Classification: Uncertain significance. Last evaluated: 2022-06-25. Review status: criteria provided, single submitter. Criteria: GeneDx Variant Classification Process June 2021. Collection method: clinical testing. Allele origin: germline. Affected: yes.
Comment: Not observed at significant frequency in large population cohorts (gnomAD); In silico analysis supports that this missense variant does not alter protein structure/function; Has not been previously published as pathogenic or benign to our knowledge